The following is an entry in ClinVar:

NM_001379451.1(BCORL1):c.3160G>T (p.Val1054Leu)

Gene: BCORL1 (BCL6 corepressor like 1; plus strand). Cytogenetic location: Xq26.1.
Variant type: single nucleotide variant.
Coding change: c.3160G>T on transcript NM_001379451.1 (MANE Select); coding-DNA position 3160, G replaced by T.
Protein change: p.Val1054Leu; replaces valine 1054 with leucine.
Molecular consequence: missense variant.
Genome position (GRCh38, 1-based): chrX:130,015,932, G>T. VCF-style: chrX-130015932-G-T. GRCh37 (hg19) VCF-style: chrX-129149908-G-T.
Other names: c.3160G>T, p.Val1054Leu (NM_001184772.3, NM_001379450.1, NM_001441326.1 and 7 more transcripts); short protein forms V1054L.
Identifiers: ClinVar variation 4686471 (VCV004686471.1).

ClinVar aggregate classification (germline): Uncertain significance (1 of 4 stars; one submission).

gnomAD v4.1: 1 of 1,212,059 alleles (0.000083%); no homozygotes.

Submission:

GeneDx
Classification: Uncertain significance. Last evaluated: 2025-07-15. Review status: criteria provided, single submitter. Criteria: GeneDx Variant Classification Process June 2021. Collection method: clinical testing. Allele origin: germline. Affected: yes.
Comment: Not observed at significant frequency in large population cohorts (gnomAD); In silico analysis suggests that this missense variant does not alter protein structure/function; Has not been previously published as pathogenic or benign to our knowledge